The following is an entry in ClinVar:

NM_000400.4(ERCC2):c.1815C>T (p.Ser605=)

Gene: ERCC2 (ERCC excision repair 2, TFIIH core complex helicase subunit; minus strand). Cytogenetic location: 19q13.32.
Variant type: single nucleotide variant.
Coding change: c.1815C>T on transcript NM_000400.4 (MANE Select); coding-DNA position 1815, C replaced by T.
Protein change: p.Ser605=; no amino-acid change (serine 605 retained).
Molecular consequence: synonymous variant.
Genome position (GRCh38, 1-based): chr19:45,353,099, G>A on the plus strand (C>T on the coding strand, the complement: ERCC2 is on the minus strand). VCF-style: chr19-45353099-G-A. GRCh37 (hg19) VCF-style: chr19-45856357-G-A.
Identifiers: ClinVar variation 893462 (VCV000893462.41), dbSNP rs368708674, ClinGen allele CA9513070.

ClinVar aggregate classification (germline): Conflicting classifications of pathogenicity. Review status: criteria provided, conflicting classifications (1 of 4 stars). 6 submissions from 6 submitters: Uncertain significance (1); Benign (1); Likely benign (4). Last evaluated 2026-01-24.

Conditions:
Inborn genetic diseases. Identifiers: MedGen C0950123, MeSH D030342.
Xeroderma pigmentosum (XP). Identifiers: Orphanet 910, MedGen C0043346, MONDO:0019600.
Xeroderma pigmentosum, group D (XPD). Also called: XERODERMA PIGMENTOSUM, COMPLEMENTATION GROUP D; XERODERMA PIGMENTOSUM IV; XP, GROUP D; XP, GROUP H; ERCC2-Related Xeroderma Pigmentosum. Identifiers: MedGen C0268138, MONDO:0010212, OMIM 278730.

Allele frequency attached by ClinVar (database versions not stated): ESP Exome Variant Server 0.00008; TOPMed 0.00010; gnomAD 0.00012 and 0.00013; gnomAD exomes 0.00019 and 0.00026.

Submissions (6):

Labcorp Genetics (formerly Invitae), Labcorp
Classification: Benign. Last evaluated: 2026-01-24. Review status: criteria provided, single submitter. Criteria: Invitae Variant Classification Sherloc (09022015). Collection method: clinical testing. Allele origin: germline.

Blueprint Genetics
Classification: Likely benign. Last evaluated: 2024-09-13. Review status: criteria provided, single submitter. Criteria: ACMG Guidelines, 2015. Collection method: clinical testing. Allele origin: germline.

CeGaT Center for Human Genetics Tuebingen
Classification: Likely benign. Last evaluated: 2022-10-01. Review status: criteria provided, single submitter. Criteria: CeGaT Center For Human Genetics Tuebingen Variant Classification Criteria Version 2. Collection method: clinical testing. Allele origin: germline. Affected: yes. Observed: 3 variant alleles.
Comment: ERCC2: BP4, BP7

Ambry Genetics
Classification: Likely benign for Inborn genetic diseases. Last evaluated: 2022-02-12. Review status: criteria provided, single submitter. Criteria: Ambry Variant Classification Scheme 2023. Collection method: clinical testing. Allele origin: germline.

Sema4
Classification: Likely benign for Xeroderma pigmentosum. Last evaluated: 2021-01-15. Review status: criteria provided, single submitter. Criteria: Sema4 Curation Guidelines. Collection method: curation. Allele origin: germline.

Illumina Laboratory Services, Illumina
Classification: Uncertain significance for Xeroderma pigmentosum, group D. Last evaluated: 2018-01-13. Review status: criteria provided, single submitter. Criteria: ICSL Variant Classification Criteria 13 December 2019. Collection method: clinical testing. Allele origin: germline.